The following is an entry in ClinVar:

NM_001267550.2(TTN):c.106827T>G (p.Ile35609Met)

Genes: TTN-AS1 (TTN antisense RNA 1; plus strand), TTN (titin; minus strand). Cytogenetic location: 2q31.2.
Variant type: single nucleotide variant.
Coding change: c.106827T>G on transcript NM_001267550.2 (MANE Select); coding-DNA position 106827, T replaced by G.
Protein change: p.Ile35609Met; replaces isoleucine 35609 with methionine.
Molecular consequence: missense variant.
Genome position (GRCh38, 1-based): chr2:178,528,924, A>C on the plus strand (T>G on the coding strand, the complement: TTN is on the minus strand). VCF-style: chr2-178528924-A-C. GRCh37 (hg19) VCF-style: chr2-179393651-A-C.
Other names: c.99123T>G, p.Ile33041Met (NM_133378.4); c.101904T>G, p.Ile33968Met (NM_001256850.1); c.79632T>G, p.Ile26544Met (NM_003319.4); c.80007T>G, p.Ile26669Met (NM_133432.3); c.80208T>G, p.Ile26736Met (NM_133437.4); short protein forms I33041M, I35609M, I26544M, I26669M, I26736M, I33968M.
Identifiers: ClinVar variation 178920 (VCV000178920.24), dbSNP rs727504540, ClinGen allele CA183314.

ClinVar aggregate classification (germline): Conflicting classifications of pathogenicity. Review status: criteria provided, conflicting classifications (1 of 4 stars). 5 submissions from 5 submitters: Uncertain significance (2); Likely benign (2). 1 of the submissions does not count toward it. Last evaluated 2026-01-07.

Conditions:
TTN-related disorder. Also called: TTN-related disorders; TTN-related condition; TTN-related disease.
Dilated cardiomyopathy 1G (CMD1G). Identifiers: Orphanet 154, MedGen C1858763, MONDO:0011400, OMIM 604145.
Autosomal recessive limb-girdle muscular dystrophy type 2J (LGMDR10). Also called: Limb-girdle muscular dystrophy, type 2J; MUSCULAR DYSTROPHY, LIMB-GIRDLE, AUTOSOMAL RECESSIVE 10. Identifiers: Orphanet 140922, MedGen C1837342, MONDO:0012127, OMIM 608807.

Allele frequency attached by ClinVar (database versions not stated): gnomAD 0.00003; gnomAD exomes 0.00007 and 0.00034; TOPMed 0.00008; ExAC 0.00020.
gnomAD v4.1: 106 of 1,613,876 alleles (0.0066%); highest among the groups gnomAD compares: Admixed American, 0.15%; no homozygotes.

Submissions (5):

Labcorp Genetics (formerly Invitae), Labcorp
Classification: Likely benign for Dilated cardiomyopathy 1G; Autosomal recessive limb-girdle muscular dystrophy type 2J. Last evaluated: 2026-01-07. Review status: criteria provided, single submitter. Criteria: Invitae Variant Classification Sherloc (09022015). Collection method: clinical testing. Allele origin: germline.

GeneDx
Classification: Likely benign. Last evaluated: 2019-11-12. Review status: criteria provided, single submitter. Criteria: GeneDx Variant Classification Process June 2021. Collection method: clinical testing. Allele origin: germline. Affected: yes.

Eurofins Ntd Llc (ga)
Classification: Uncertain significance. Last evaluated: 2018-01-16. Review status: criteria provided, single submitter. Criteria: EGL Classification Definitions 2015. Collection method: clinical testing. Allele origin: germline. Observed: 3 variant alleles, 3 heterozygotes.

Laboratory for Molecular Medicine, Mass General Brigham Personalized Medicine
Classification: Uncertain significance. Last evaluated: 2013-05-01. Review status: criteria provided, single submitter. Criteria: LMM Criteria. Collection method: clinical testing. Allele origin: germline. Observed: 1 variant allele.
Comment: The Ile33041Met variant in TTN has not been reported in individuals with cardiom yopathy or in large population studies. Computational analyses (biochemical amin o acid properties, conservation, AlignGVGD, PolyPhen2, and SIFT) do not provide strong support for or against an impact to the protein. At this time, additional information is needed to fully assess the clinical significance of this variant .

PreventionGenetics, part of Exact Sciences
Classification: Likely benign for TTN-related condition. Last evaluated: 2023-02-14. Review status: no assertion criteria provided. Collection method: clinical testing. Allele origin: germline. Not counted in ClinVar's aggregate classification.
Comment: This variant is classified as likely benign based on ACMG/AMP sequence variant interpretation guidelines (Richards et al. 2015 PMID: 25741868, with internal and published modifications).